The following is an entry in ClinVar:

ClinVar aggregate classification (germline): Likely benign. Review status: criteria provided, multiple submitters, no conflicts (2 of 4 stars). 3 submissions from 3 submitters: Likely benign (3). Last evaluated 2025-03-01.

Allele frequency attached by ClinVar (database versions not stated): TOPMed 0.00002; ExAC 0.00004; gnomAD exomes 0.00005; gnomAD 0.00006; 1000 Genomes Project 0.00020; 1000 Genomes Project 30x 0.00031.

Submissions (3):

CeGaT Center for Human Genetics Tuebingen
Classification: Likely benign. Last evaluated: 2025-03-01. Review status: criteria provided, single submitter. Criteria: CeGaT Center For Human Genetics Tuebingen Variant Classification Criteria Version 2. Collection method: clinical testing. Allele origin: germline. Affected: yes. Observed: 1 variant allele.
Comment: BCL11B: BP4, BP7

Labcorp Genetics (formerly Invitae), Labcorp
Classification: Likely benign. Last evaluated: 2025-02-10. Review status: criteria provided, single submitter. Criteria: Invitae Variant Classification Sherloc (09022015). Collection method: clinical testing. Allele origin: germline.

Blueprint Genetics
Classification: Likely benign. Last evaluated: 2024-11-07. Review status: criteria provided, single submitter. Criteria: ACMG Guidelines, 2015. Collection method: clinical testing. Allele origin: germline.

NM_138576.4(BCL11B):c.393G>A (p.Thr131=)

Gene: BCL11B (BCL11 transcription factor B; minus strand). Cytogenetic location: 14q32.2.
Variant type: single nucleotide variant.
Coding change: c.393G>A on transcript NM_138576.4 (MANE Select); coding-DNA position 393, G replaced by A.
Protein change: p.Thr131=; no amino-acid change (threonine 131 retained).
Molecular consequence: synonymous variant.
Genome position (GRCh38, 1-based): chr14:99,257,505, C>T on the plus strand (G>A on the coding strand, the complement: BCL11B is on the minus strand). VCF-style: chr14-99257505-C-T. GRCh37 (hg19) VCF-style: chr14-99723842-C-T.
Other names: c.390G>A, p.Thr130= (NM_001282237.2, NM_001282238.2); c.393G>A, p.Thr131= (NM_022898.3).
Identifiers: ClinVar variation 1574736 (VCV001574736.17), dbSNP rs114557475, ClinGen allele CA7339899.